The following is an entry in ClinVar:

ClinVar aggregate classification (germline): Uncertain significance (1 of 4 stars; one submission).

Submission:

Labcorp Genetics (formerly Invitae), Labcorp
Classification: Uncertain significance. Last evaluated: 2025-12-21. Review status: criteria provided, single submitter. Criteria: Invitae Variant Classification Sherloc (09022015). Collection method: clinical testing. Allele origin: germline.
Comment: This sequence change replaces serine, which is neutral and polar, with leucine, which is neutral and non-polar, at codon 185 of the CRKL protein (p.Ser185Leu). This variant is not present in population databases (gnomAD no frequency). This variant has not been reported in the literature in individuals affected with CRKL-related conditions. An algorithm developed to predict the effect of missense changes on protein structure and function (PolyPhen-2) suggests that this variant is likely to be tolerated. In summary, the available evidence is currently insufficient to determine the role of this variant in disease. Therefore, it has been classified as a Variant of Uncertain Significance.

NM_005207.4(CRKL):c.554C>T (p.Ser185Leu)

Gene: CRKL (CRK like proto-oncogene, adaptor protein; plus strand). Cytogenetic location: 22q11.21.
Variant type: single nucleotide variant.
Coding change: c.554C>T on transcript NM_005207.4 (MANE Select); coding-DNA position 554, C replaced by T.
Protein change: p.Ser185Leu; replaces serine 185 with leucine.
Molecular consequence: missense variant. On other transcripts: non-coding transcript variant (1).
Genome position (GRCh38, 1-based): chr22:20,934,021, C>T. VCF-style: chr22-20934021-C-T. GRCh37 (hg19) VCF-style: chr22-21288309-C-T.
Other names: short protein forms S185L.
Identifiers: ClinVar variation 4777310 (VCV004777310.1).